The following is an entry in ClinVar:

ClinVar aggregate classification (germline): Uncertain significance (1 of 4 stars; one submission).

Submission:

Labcorp Genetics (formerly Invitae), Labcorp
Classification: Uncertain significance. Last evaluated: 2022-03-09. Review status: criteria provided, single submitter. Criteria: Invitae Variant Classification Sherloc (09022015). Collection method: clinical testing. Allele origin: germline.
Comment: In summary, the available evidence is currently insufficient to determine the role of this variant in disease. Therefore, it has been classified as a Variant of Uncertain Significance. Algorithms developed to predict the effect of missense changes on protein structure and function (SIFT, PolyPhen-2, Align-GVGD) all suggest that this variant is likely to be disruptive. This variant has not been reported in the literature in individuals affected with NEUROD1-related conditions. This variant is not present in population databases (gnomAD no frequency). This sequence change replaces glycine, which is neutral and non-polar, with arginine, which is basic and polar, at codon 175 of the NEUROD1 protein (p.Gly175Arg).

NM_002500.5(NEUROD1):c.523G>C (p.Gly175Arg)

Gene: NEUROD1 (neuronal differentiation 1; minus strand). Cytogenetic location: 2q31.3.
Variant type: single nucleotide variant.
Coding change: c.523G>C on transcript NM_002500.5 (MANE Select); coding-DNA position 523, G replaced by C.
Protein change: p.Gly175Arg; replaces glycine 175 with arginine.
Molecular consequence: missense variant.
Genome position (GRCh38, 1-based): chr2:181,678,338, C>G on the plus strand (G>C on the coding strand, the complement: NEUROD1 is on the minus strand). VCF-style: chr2-181678338-C-G. GRCh37 (hg19) VCF-style: chr2-182543065-C-G.
Other names: short protein forms G175R.
Identifiers: ClinVar variation 2073730 (VCV002073730.4), dbSNP rs2468610295, ClinGen allele CA349784678.